The following is an entry in ClinVar:

NM_000429.3(MAT1A):c.66G>A (p.Ser22=)

Gene: MAT1A (methionine adenosyltransferase 1A; minus strand). Cytogenetic location: 10q22.3.
Variant type: single nucleotide variant.
Coding change: c.66G>A on transcript NM_000429.3 (MANE Select); coding-DNA position 66, G replaced by A.
Protein change: p.Ser22=; no amino-acid change (serine 22 retained).
Molecular consequence: synonymous variant.
Genome position (GRCh38, 1-based): chr10:80,289,358, C>T on the plus strand (G>A on the coding strand, the complement: MAT1A is on the minus strand). VCF-style: chr10-80289358-C-T. GRCh37 (hg19) VCF-style: chr10-82049114-C-T.
Other names: c.66G>A (NM_000429.2).
Identifiers: ClinVar variation 1498183 (VCV001498183.9), dbSNP rs114062313, ClinGen allele CA5576916.

ClinVar aggregate classification (germline): Likely benign. Review status: criteria provided, multiple submitters, no conflicts (2 of 4 stars). 2 submissions from 2 submitters: Likely benign (2). Last evaluated 2026-09-21.

Conditions:
Hepatic methionine adenosyltransferase deficiency. Also called: Deficiency of methionine adenosyltransferase; Isolated Persistent Hypermethioninemia; Methionine adenosyltransferase deficiency; MAT I/III DEFICIENCY. Identifiers: Orphanet 168598, MedGen C0268621, MeSH C564683, MONDO:0009607, OMIM 250850.
MAT1A-related disorder. Also called: MAT1A-related condition.

Allele frequency attached by ClinVar (database versions not stated): gnomAD exomes below 0.00001; gnomAD 0.00001 and 0.00002; ExAC 0.00002; TOPMed 0.00006; 1000 Genomes Project 30x 0.00016; 1000 Genomes Project 0.00020.
gnomAD v4.1: 17 of 1,614,174 alleles (0.0011%); highest among the groups gnomAD compares: Admixed American, 0.005%; no homozygotes.

Submissions (2):

PreventionGenetics, part of Exact Sciences
Classification: Likely benign for MAT1A-related condition. Last evaluated: 2026-09-21. Review status: criteria provided, single submitter. Criteria: ACMG Guidelines, 2015. Collection method: clinical testing. Allele origin: germline.
Comment: This variant is classified as likely benign based on ACMG/AMP sequence variant interpretation guidelines (Richards et al. 2015 PMID: 25741868, with internal and published modifications).

Labcorp Genetics (formerly Invitae), Labcorp
Classification: Likely benign for Hepatic methionine adenosyltransferase deficiency. Last evaluated: 2025-12-01. Review status: criteria provided, single submitter. Criteria: Invitae Variant Classification Sherloc (09022015). Collection method: clinical testing. Allele origin: germline.